The following is an entry in ClinVar:

ClinVar aggregate classification (germline): Likely benign (1 of 4 stars; one submission).

Submission:

Mayo Clinic Laboratories, Mayo Clinic
Classification: Likely benign. Last evaluated: 2025-11-19. Review status: criteria provided, single submitter. Criteria: ACMG Guidelines, 2015. Collection method: clinical testing. Allele origin: germline. Observed: 1 variant allele.
Comment: BP4, BP7

NM_014845.6(FIG4):c.1949-9C>A

Gene: FIG4 (FIG4 phosphoinositide 5-phosphatase; plus strand). Cytogenetic location: 6q21.
Variant type: single nucleotide variant.
Coding change: c.1949-9C>A on transcript NM_014845.6 (MANE Select); 9 bases into the intron before coding-DNA position 1949, C replaced by A.
Molecular consequence: intron variant.
Genome position (GRCh38, 1-based): chr6:109,786,293, C>A. VCF-style: chr6-109786293-C-A. GRCh37 (hg19) VCF-style: chr6-110107496-C-A.
Other names: p.?.
Identifiers: ClinVar variation 4683220 (VCV004683220.1).